The following is an entry in ClinVar:

NM_001232.4(CASQ2):c.1084A>C (p.Ile362Leu)

Gene: CASQ2 (calsequestrin 2; minus strand). Cytogenetic location: 1p13.1.
Variant type: single nucleotide variant.
Coding change: c.1084A>C on transcript NM_001232.4 (MANE Select); coding-DNA position 1084, A replaced by C.
Protein change: p.Ile362Leu; replaces isoleucine 362 with leucine.
Molecular consequence: missense variant.
Genome position (GRCh38, 1-based): chr1:115,701,357, T>G on the plus strand (A>C on the coding strand, the complement: CASQ2 is on the minus strand). VCF-style: chr1-115701357-T-G. GRCh37 (hg19) VCF-style: chr1-116243978-T-G.
Other names: short protein forms I362L.
Identifiers: ClinVar variation 2585691 (VCV002585691.2), dbSNP rs2464831371, ClinGen allele CA341766395.
Genomic context (GRCh38, chr1:115,701,357, plus strand): 5'-CATCATCATCATCTTCATCATCATCTTCAGTGTTTATCTTTCCAGAAAGCACATCCTCAA[T>G]CCAGTCCTCCAGCTCCTCAGCAGTTGGAAGATCGTCATCATCTGGAATCTCCATCCAGAC-3'
Protein context (NP_001223.2, residues 352-372): LPTAEELEDW[Ile362Leu]EDVLSGKINT

ClinVar aggregate classification (germline): Uncertain significance (1 of 4 stars; one submission).

Conditions:
Cardiovascular phenotype. Identifiers: MedGen CN230736.

Submission:

Ambry Genetics
Classification: Uncertain significance for Cardiovascular phenotype. Last evaluated: 2023-08-07. Review status: criteria provided, single submitter. Criteria: Ambry Variant Classification Scheme 2023. Collection method: clinical testing. Allele origin: germline.
Comment: The p.I362L variant (also known as c.1084A>C), located in coding exon 11 of the CASQ2 gene, results from an A to C substitution at nucleotide position 1084. The isoleucine at codon 362 is replaced by leucine, an amino acid with highly similar properties. This amino acid position is conserved. In addition, the in silico prediction for this alteration is inconclusive. Since supporting evidence is limited at this time, the clinical significance of this alteration remains unclear.